The following is an entry in ClinVar:

NM_001364905.1(LRBA):c.322G>A (p.Ala108Thr)

Gene: LRBA (LPS responsive beige-like anchor protein; minus strand). Cytogenetic location: 4q31.3.
Variant type: single nucleotide variant.
Coding change: c.322G>A on transcript NM_001364905.1 (MANE Select); coding-DNA position 322, G replaced by A.
Protein change: p.Ala108Thr; replaces alanine 108 with threonine.
Molecular consequence: missense variant.
Genome position (GRCh38, 1-based): chr4:150,928,960, C>T on the plus strand (G>A on the coding strand, the complement: LRBA is on the minus strand). VCF-style: chr4-150928960-C-T. GRCh37 (hg19) VCF-style: chr4-151850112-C-T.
Other names: c.322G>A, p.Ala108Thr (NM_001199282.3, NM_001367550.1, NM_006726.5); short protein forms A108T.
Identifiers: ClinVar variation 650256 (VCV000650256.8), dbSNP rs1579233186, ClinGen allele CA358439460.

ClinVar aggregate classification (germline): Uncertain significance (1 of 4 stars; one submission).

Conditions:
Combined immunodeficiency due to LRBA deficiency. Also called: Common variable immunodeficiency 8, with autoimmunity. Identifiers: Orphanet 445018, MedGen C3553512, MONDO:0013863, OMIM 614700.

Submission:

Labcorp Genetics (formerly Invitae), Labcorp
Classification: Uncertain significance for Combined immunodeficiency due to LRBA deficiency. Last evaluated: 2018-08-01. Review status: criteria provided, single submitter. Criteria: Invitae Variant Classification Sherloc (09022015). Collection method: clinical testing. Allele origin: germline.
Comment: This sequence change replaces alanine with threonine at codon 108 of the LRBA protein (p.Ala108Thr). The alanine residue is weakly conserved and there is a small physicochemical difference between alanine and threonine. This variant is not present in population databases (ExAC no frequency). This variant has not been reported in the literature in individuals with LRBA-related disease. Algorithms developed to predict the effect of missense changes on protein structure and function are either unavailable or do not agree on the potential impact of this missense change (SIFT: "Tolerated"; PolyPhen-2: "Probably Damaging"; Align-GVGD: "Class C0"). In summary, the available evidence is currently insufficient to determine the role of this variant in disease. Therefore, it has been classified as a Variant of Uncertain Significance.